The following is an entry in ClinVar:

ClinVar aggregate classification (germline): Pathogenic. Review status: criteria provided, multiple submitters, no conflicts (2 of 4 stars). 7 submissions from 7 submitters: Pathogenic (5). 2 of the submissions do not count toward it. Last evaluated 2025-03-05.

Conditions:
Cerebral cavernous malformation 3. Also called: Familial Cerebral Cavernous Malformation 3. Identifiers: Orphanet 221061, MedGen C1864040, MONDO:0011305, OMIM 603285.
Cerebral cavernous malformation (CCM). Also called: Cerebral cavernous malformations; Cerebral cavernous hemangioma (type); CAVERNOUS ANGIOMA, FAMILIAL; CAVERNOUS ANGIOMATOUS MALFORMATIONS; Cavernous Hemangioma of Brain; CEREBRAL CAPILLARY MALFORMATIONS. Identifiers: Orphanet 221061, MedGen C2919945, MONDO:0000820, OMIM 116860, HP:0033522.

Submissions (7):

Labcorp Genetics (formerly Invitae), Labcorp
Classification: Pathogenic for Cerebral cavernous malformation 3. Last evaluated: 2025-03-05. Review status: criteria provided, single submitter. Criteria: Invitae Variant Classification Sherloc (09022015). Collection method: clinical testing. Allele origin: germline.
Comment: This sequence change creates a premature translational stop signal (p.Arg35*) in the PDCD10 gene. It is expected to result in an absent or disrupted protein product. Loss-of-function variants in PDCD10 are known to be pathogenic (PMID: 15543491, 18300272, 23801932). This variant is not present in population databases (gnomAD no frequency). This premature translational stop signal has been observed in individual(s) with cerebral cavernous malformations (PMID: 15543491, 18035376, 23485406, 23595507, 26896283). This variant is also known as 30075cga-TGA stop. ClinVar contains an entry for this variant (Variation ID: 372445). For these reasons, this variant has been classified as Pathogenic.

CeGaT Center for Human Genetics Tuebingen
Classification: Pathogenic. Last evaluated: 2024-05-01. Review status: criteria provided, single submitter. Criteria: CeGaT Center For Human Genetics Tuebingen Variant Classification Criteria Version 2. Collection method: clinical testing. Allele origin: germline. Affected: yes. Observed: 1 variant allele.
Comment: PDCD10: PVS1, PM2, PS4:Moderate

GeneDx
Classification: Pathogenic. Last evaluated: 2023-07-21. Review status: criteria provided, single submitter. Criteria: GeneDx Variant Classification Process June 2021. Collection method: clinical testing. Allele origin: germline. Affected: yes.
Comment: Nonsense variant predicted to result in protein truncation or nonsense mediated decay in a gene for which loss of function is a known mechanism of disease; Not observed at significant frequency in large population cohorts (gnomAD); This variant is associated with the following publications: (PMID: 25525159, 26896283, 23485406, 30161288, 25354366, 31254430, 23595507, 35883785, 18035376, 15543491)

ARUP Laboratories, Molecular Genetics and Genomics, ARUP Laboratories
Classification: Pathogenic for Cerebral cavernous malformation 3. Last evaluated: 2023-05-03. Review status: criteria provided, single submitter. Criteria: ARUP Molecular Germline Variant Investigation Process 2024. Collection method: clinical testing. Allele origin: germline.
Comment: The PDCD10 c.103C>T; p.Arg35Ter variant (rs1057517786), also published as 30075cga-TGA stop, is reported in the literature in multiple individuals and families affected with cerebral cavernous malformations (Bergametti 2005, Bilo 2016, Fusco 2019, Lee 2008, Tsutsumi 2013). This variant is absent from general population databases (Exome Variant Server, Genome Aggregation Database), indicating it is not a common polymorphism. This variant induces an early termination codon and is predicted to result in a truncated protein or mRNA subject to nonsense-mediated decay. Based on available information, this variant is considered to be pathogenic. References: Bergametti F et al. Mutations within the programmed cell death 10 gene cause cerebral cavernous malformations. Am J Hum Genet. 2005 Jan;76(1):42-51. PMID: 15543491. Bilo L et al. CCM3/PDCD10 gene mutation in cerebral cavernous malformations associated with hyperkeratotic cutaneous capillary venous malformations. J Dermatol. 2016 Aug;43(8):962-3. PMID: 26896283. Fusco C et al. Molecular diagnostic workflow, clinical interpretation of sequence variants, and data repository procedures in 140 individuals with familial cerebral cavernous malformations. Hum Mutat. 2019 Nov;40(11):e24-e36. PMID: 31254430. Lee ST et al. Identification of an Arg35X mutation in the PDCD10 gene in a patient with cerebral and multiple spinal cavernous malformations. J Neurol Sci. 2008 Apr 15;267(1-2):177-81. PMID: 18035376. Tsutsumi S et al. Genomic causes of multiple cerebral cavernous malformations in a Japanese population. J Clin Neurosci. 2013 May;20(5):667-9. PMID: 23485406.

PreventionGenetics, part of Exact Sciences
Classification: Pathogenic. Last evaluated: 2016-09-18. Review status: criteria provided, single submitter. Criteria: ACMG Guidelines, 2015. Collection method: clinical testing. Allele origin: germline.

Laboratory of Medical Genetics, University of Torino
Classification: Pathogenic for Cerebral cavernous malformation. Last evaluated: 2021-10-06. Review status: no assertion criteria provided. Collection method: research. Allele origin: unknown. Affected: yes. Not counted in ClinVar's aggregate classification.

OMIM
Classification: Pathogenic for CEREBRAL CAVERNOUS MALFORMATIONS 3. Last evaluated: 2005-01-01. Review status: no assertion criteria provided. Collection method: literature only. Allele origin: germline. Not counted in ClinVar's aggregate classification.

Literature cited by the submitters: PubMed 15543491 (cited by Labcorp Genetics (formerly Invitae), Labcorp and OMIM); PubMed 18300272 (cited by Labcorp Genetics (formerly Invitae), Labcorp); PubMed 23801932 (cited by Labcorp Genetics (formerly Invitae), Labcorp); PubMed 18035376 (cited by Labcorp Genetics (formerly Invitae), Labcorp); PubMed 23485406 (cited by Labcorp Genetics (formerly Invitae), Labcorp); PubMed 23595507 (cited by Labcorp Genetics (formerly Invitae), Labcorp); PubMed 26896283 (cited by Labcorp Genetics (formerly Invitae), Labcorp).

NM_007217.4(PDCD10):c.103C>T (p.Arg35Ter)

Gene: PDCD10 (programmed cell death 10; minus strand). Cytogenetic location: 3q26.1.
Variant type: single nucleotide variant.
Coding change: c.103C>T on transcript NM_007217.4 (MANE Select); coding-DNA position 103, C replaced by T.
Protein change: p.Arg35Ter; replaces arginine 35 with a stop codon.
Molecular consequence: nonsense.
Genome position (GRCh38, 1-based): chr3:167,704,889, G>A on the plus strand (C>T on the coding strand, the complement: PDCD10 is on the minus strand). VCF-style: chr3-167704889-G-A. GRCh37 (hg19) VCF-style: chr3-167422677-G-A.
Other names: 586C-T; 103C-T; c.103C>T, p.Arg35Ter (NM_145860.2, NM_145859.2); c.586C>T (NM_145860.2); short protein forms R35*.
Identifiers: ClinVar variation 372445 (VCV000372445.39), dbSNP rs1057517786, ClinGen allele CA16042486.